The following is an entry in ClinVar:

NM_000278.5(PAX2):c.13T>A (p.Cys5Ser)

Gene: PAX2 (paired box 2; plus strand). Cytogenetic location: 10q24.31.
Variant type: single nucleotide variant.
Coding change: c.13T>A on transcript NM_000278.5 (MANE Select); coding-DNA position 13, T replaced by A.
Protein change: p.Cys5Ser; replaces cysteine 5 with serine.
Molecular consequence: missense variant.
Genome position (GRCh38, 1-based): chr10:100,746,273, T>A. VCF-style: chr10-100746273-T-A. GRCh37 (hg19) VCF-style: chr10-102506030-T-A.
Other names: c.106T>A, p.Cys36Ser (NM_001304569.2, NM_001374303.1); c.13T>A, p.Cys5Ser (NM_003987.5, NM_003988.5, NM_003989.5 and 1 more transcripts); short protein forms C36S, C5S.
Identifiers: ClinVar variation 3759807 (VCV003759807.2).

ClinVar aggregate classification (germline): Uncertain significance (1 of 4 stars; one submission).

Conditions:
Focal segmental glomerulosclerosis 7 (FSGS7). Identifiers: Orphanet 656, MedGen C4014925, MONDO:0014451, OMIM 616002.
Renal coloboma syndrome (PAPRS). Also called: PAPILLORENAL SYNDROME; COLOBOMA OF OPTIC NERVE WITH RENAL DISEASE; OPTIC COLOBOMA, VESICOURETERAL REFLUX, AND RENAL ANOMALIES; OPTIC NERVE COLOBOMA WITH RENAL DISEASE; RENAL-COLOBOMA SYNDROME WITH MACULAR ABNORMALITIES; PAPILLORENAL SYNDROME WITH MILD OCULAR ABNORMALITIES. Identifiers: Orphanet 1475, MedGen C1852759, MONDO:0007352, OMIM 120330.

Submission:

Labcorp Genetics (formerly Invitae), Labcorp
Classification: Uncertain significance for Renal coloboma syndrome; Focal segmental glomerulosclerosis 7. Last evaluated: 2024-11-16. Review status: criteria provided, single submitter. Criteria: Invitae Variant Classification Sherloc (09022015). Collection method: clinical testing. Allele origin: germline.
Comment: This sequence change replaces cysteine, which is neutral and slightly polar, with serine, which is neutral and polar, at codon 5 of the PAX2 protein (p.Cys5Ser). This variant is not present in population databases (gnomAD no frequency). This variant has not been reported in the literature in individuals affected with PAX2-related conditions. Experimental studies and prediction algorithms are not available or were not evaluated, and the functional significance of this variant is currently unknown. In summary, the available evidence is currently insufficient to determine the role of this variant in disease. Therefore, it has been classified as a Variant of Uncertain Significance.